The following is an entry in ClinVar:

NM_001148.6(ANK2):c.7774G>A (p.Val2592Ile)

Genes: ANK2 (ankyrin 2; plus strand), LOC126807137 (CDK7 strongly-dependent group 2 enhancer GRCh37_chr4:114276560-114277759; plus strand). Cytogenetic location: 4q26.
Variant type: single nucleotide variant.
Coding change: c.7774G>A on transcript NM_001148.6 (MANE Select); coding-DNA position 7774, G replaced by A.
Protein change: p.Val2592Ile; replaces valine 2592 with isoleucine.
Molecular consequence: missense variant. On other transcripts: intron variant (68).
Genome position (GRCh38, 1-based): chr4:113,356,392, G>A. VCF-style: chr4-113356392-G-A. GRCh37 (hg19) VCF-style: chr4-114277548-G-A.
Other names: c.7540G>A, p.Val2514Ile (NM_001386142.1); c.4174G>A, p.Val1392Ile (NM_001386166.1); c.7915G>A, p.Val2639Ile (NM_001386174.1); c.7891G>A, p.Val2631Ile (NM_001386175.1); c.4412-4431G>A (NM_001386186.2, NM_001386148.2); c.4214-4431G>A (NM_001354269.3); c.4292-4431G>A (NM_001386187.2); c.4253-4431G>A (NM_001386147.1); and 35 more; short protein forms V2592I, V1392I, V2514I, V2631I, V2639I.
Identifiers: ClinVar variation 432614 (VCV000432614.5), dbSNP rs1372897732, ClinGen allele CA357932061.

ClinVar aggregate classification (germline): Uncertain significance. Review status: criteria provided, multiple submitters, no conflicts (2 of 4 stars). 3 submissions from 3 submitters: Uncertain significance (3). Last evaluated 2025-10-15.

Conditions:
Long QT syndrome (LQTS). Identifiers: MedGen C0023976, MeSH D008133, MONDO:0002442. Disease mechanism: loss of function. Inheritance: Various modes of inheritance.
Cardiovascular phenotype. Identifiers: MedGen CN230736.

Allele frequency attached by ClinVar (database versions not stated): gnomAD exomes below 0.00001; TOPMed below 0.00001.
gnomAD v4.1: 4 of 1,614,122 alleles (0.00025%); highest among the groups gnomAD compares: Non-Finnish European, 0.00017%; no homozygotes.

Submissions (3):

Ambry Genetics
Classification: Uncertain significance for Cardiovascular phenotype. Last evaluated: 2025-10-15. Review status: criteria provided, single submitter. Criteria: Ambry Variant Classification Scheme 2023. Collection method: clinical testing. Allele origin: germline.

Labcorp Genetics (formerly Invitae), Labcorp
Classification: Uncertain significance for Long QT syndrome. Last evaluated: 2024-07-16. Review status: criteria provided, single submitter. Criteria: Invitae Variant Classification Sherloc (09022015). Collection method: clinical testing. Allele origin: germline.
Comment: This sequence change replaces valine, which is neutral and non-polar, with isoleucine, which is neutral and non-polar, at codon 2592 of the ANK2 protein (p.Val2592Ile). This variant is present in population databases (no rsID available, gnomAD 0.0009%). This variant has not been reported in the literature in individuals affected with ANK2-related conditions. ClinVar contains an entry for this variant (Variation ID: 432614). An algorithm developed to predict the effect of missense changes on protein structure and function (PolyPhen-2) suggests that this variant is likely to be disruptive. In summary, the available evidence is currently insufficient to determine the role of this variant in disease. Therefore, it has been classified as a Variant of Uncertain Significance.

GeneDx
Classification: Uncertain significance. Last evaluated: 2017-06-13. Review status: criteria provided, single submitter. Criteria: GeneDx Variant Classification (06012015). Collection method: clinical testing. Allele origin: germline. Affected: yes.
Comment: A variant of uncertain significance has been identified in the ANK2 gene. The V2592I variant has not been published as pathogenic or been reported as benign to our knowledge. This variant is not observed in large population cohorts (Lek et al., 2016; 1000 Genomes Consortium et al., 2015; Exome Variant Server). However, the V2592I variant is a conservative amino acid substitution, which is not likely to impact secondary protein structure as these residues share similar properties. This substitution occurs at a position where amino acids with similar properties to valine are tolerated across species. Finally, in silico analysis is inconsistent in its predictions as to whether or not the variant is damaging to the protein structure/function.